The following is an entry in ClinVar:

NM_004360.5(CDH1):c.113C>A (p.Thr38Lys)

Gene: CDH1 (cadherin 1; plus strand). Cytogenetic location: 16q22.1.
Variant type: single nucleotide variant.
Coding change: c.113C>A on transcript NM_004360.5 (MANE Select); coding-DNA position 113, C replaced by A.
Protein change: p.Thr38Lys; replaces threonine 38 with lysine.
Molecular consequence: missense variant. On other transcripts: 5 prime UTR variant (2).
Genome position (GRCh38, 1-based): chr16:68,738,361, C>A. VCF-style: chr16-68738361-C-A. GRCh37 (hg19) VCF-style: chr16-68772264-C-A.
Other names: NM_004360.5(CDH1):c.113C>A; p.Thr38Lys; c.113C>A (LRG_301t1); c.113C>A, p.Thr38Lys (NM_001317184.2); c.-1503C>A (NM_001317185.2); c.-1707C>A (NM_001317186.2); short protein forms T38K.
Identifiers: ClinVar variation 231383 (VCV000231383.22), dbSNP rs587778171, ClinGen allele CA8129795.

ClinVar aggregate classification (germline): Likely benign. Review status: reviewed by expert panel (3 of 4 stars). 4 submissions from 4 submitters: Likely benign (1). 3 of the submissions do not count toward it. Last evaluated 2023-08-17.

Conditions:
CDH1-related diffuse gastric and lobular breast cancer syndrome. Also called: CDH1-related diffuse gastric and lobular breast cancer. Identifiers: MedGen CN311521, MONDO:0100488.
Hereditary cancer-predisposing syndrome. Also called: Tumor predisposition; Neoplastic Syndromes, Hereditary; Hereditary Cancer Syndrome; Hereditary neoplastic syndrome. Identifiers: Orphanet 140162, MedGen C0027672, MeSH D009386, MONDO:0015356.
Hereditary diffuse gastric adenocarcinoma (HDGC). Also called: DIFFUSE GASTRIC AND LOBULAR BREAST CANCER SYNDROME. Identifiers: Orphanet 26106, MedGen C1708349, MONDO:0007648, OMIM 137215.

Allele frequency attached by ClinVar (database versions not stated): ExAC 0.00005; TOPMed below 0.00001.
gnomAD v4.1: 13 of 1,551,090 alleles (0.00084%); highest among the groups gnomAD compares: South Asian, 0.012%; no homozygotes.

Submissions (4):

Clingen Gastric Cancer Variant Curation Expert Panel
Classification: Likely benign for CDH1-related diffuse gastric and lobular breast cancer syndrome. Last evaluated: 2023-08-17. Review status: reviewed by expert panel. Criteria: ClinGen CDH1 ACMG Specifications V3.1. Collection method: curation. Allele origin: germline. Inheritance: Autosomal dominant inheritance.
Comment: The c.113C>A (p.Thr38Lys) variant results in a non-synonymous amino acid substitution in exon 2 of CDH1. This variant has been observed in at least 10 individuals without DGC, LBC or SRC tumors and whose families do not suggest HDGC (BS2; SCV000637699.3, SCV000275215.5). In summary, this variant meets criteria to be classified as likely benign based the ACMG/AMP criteria applied, as specified by the CDH1 Variant Curation Expert Panel (Variant Interpretation Guidelines Version 3.1): BS2.

Ambry Genetics
Classification: Likely benign for Hereditary cancer-predisposing syndrome. Last evaluated: 2026-08-07. Review status: criteria provided, single submitter. Criteria: Ambry Variant Classification Scheme 2023. Collection method: clinical testing. Allele origin: germline. Not counted in ClinVar's aggregate classification.

Labcorp Genetics (formerly Invitae), Labcorp
Classification: Uncertain significance for Hereditary diffuse gastric adenocarcinoma. Last evaluated: 2026-01-21. Review status: criteria provided, single submitter. Criteria: Invitae Variant Classification Sherloc (09022015). Collection method: clinical testing. Allele origin: germline. Not counted in ClinVar's aggregate classification.
Comment: This sequence change replaces threonine, which is neutral and polar, with lysine, which is basic and polar, at codon 38 of the CDH1 protein (p.Thr38Lys). This variant is present in population databases (rs587778171, gnomAD 0.009%). This variant has not been reported in the literature in individuals affected with CDH1-related conditions. ClinVar contains an entry for this variant (Variation ID: 231383). An algorithm developed to predict the effect of missense changes on protein structure and function (PolyPhen-2) suggests that this variant is likely to be tolerated. In summary, the available evidence is currently insufficient to determine the role of this variant in disease. Therefore, it has been classified as a Variant of Uncertain Significance.

Color Diagnostics, LLC DBA Color Health
Classification: Uncertain significance for Hereditary cancer-predisposing syndrome. Last evaluated: 2023-02-16. Review status: criteria provided, single submitter. Criteria: ACMG Guidelines, 2015. Collection method: clinical testing. Allele origin: germline. Not counted in ClinVar's aggregate classification.
Comment: This missense variant replaces threonine with lysine at codon 38 of the CDH1 protein. To our knowledge, functional studies have not been reported for this variant. This variant has not been reported in individuals affected with CDH1-related disorders in the literature. This variant has been identified in 3/156704 chromosomes in the general population by the Genome Aggregation Database (gnomAD). The available evidence is insufficient to determine the role of this variant in disease conclusively. Therefore, this variant is classified as a Variant of Uncertain Significance.